The following is an entry in ClinVar:

NM_000038.6(APC):c.4183dup (p.Ser1395fs)

Gene: APC (APC regulator of Wnt signaling pathway; plus strand). Cytogenetic location: 5q22.2.
Variant type: Duplication.
Coding change: c.4183dup on transcript NM_000038.6 (MANE Select); coding-DNA position 4183, one base duplicated (A; older notation c.4183dupA).
Protein change: p.Ser1395fs; shifts the reading frame from serine 1395.
Molecular consequence: frameshift variant. On other transcripts: non-coding transcript variant (2).
Genome position (GRCh38, 1-based): chr5:112,839,777, A duplicated. VCF-style (leftmost placement, unchanged base first): chr5-112839776-T-TA. GRCh37 (hg19) VCF-style: chr5-112175473-T-TA.
Other names: c.4183dup, p.Ser1395fs (NM_001127510.3, NM_001354895.2, NM_001407450.1); c.4129dup, p.Ser1377fs (NM_001127511.3); c.4237dup, p.Ser1413fs (NM_001354896.2, NM_001407447.1, NM_001407448.1 and 1 more transcripts); c.4213dup, p.Ser1405fs (NM_001354897.2); c.4108dup, p.Ser1370fs (NM_001354898.2); c.4099dup, p.Ser1367fs (NM_001354899.2); c.4060dup, p.Ser1354fs (NM_001354900.2); c.4006dup, p.Ser1336fs (NM_001354901.2, NM_001407453.1); and 11 more; short protein forms S1011fs, S1112fs, S1235fs, S1266fs, S1269fs, S1294fs, S1304fs, S1312fs.
Identifiers: ClinVar variation 4533199 (VCV004533199.1).

ClinVar aggregate classification (germline): Likely pathogenic (1 of 4 stars; one submission).

Conditions:
Familial adenomatous polyposis 1 (FAP1). Also called: FAMILIAL ADENOMATOUS POLYPOSIS 1, ATTENUATED; POLYPOSIS, ADENOMATOUS INTESTINAL. Identifiers: MedGen C2713442, MONDO:0021056, OMIM 175100. Disease mechanism: loss of function.

Submission:

Programa de cancer hereditario, Instituto de medicina traslacional e ingenieria biomedica, Hospital Italiano de Buenos Aires
Classification: Likely pathogenic for Familial adenomatous polyposis 1. Review status: criteria provided, single submitter. Criteria: Yin et al. (Am J Hum Genet. 2024). Collection method: research. Allele origin: germline. Affected: yes. Observed: 7 variant alleles, 7 heterozygotes.
Comment: Evaluation following ClinGen Hereditary Cancer VCEP guidelines identifies this variant as Likely Pathogenic. Criteria met: PVS1: Null variant (nonsense, frameshift, canonical ±1 or 2 splice sites, initiation codon, single or multi-exon deletion) in a gene where LOF is a known mechanism of disease. PM2 (Supporting): Absent from controls (or at extremely low frequency) in ExAC, gnomAD, or 1000 Genomes.